The following is an entry in ClinVar:

NM_002473.6(MYH9):c.1807T>G (p.Ser603Ala)

Gene: MYH9 (myosin heavy chain 9; minus strand). Cytogenetic location: 22q12.3.
Variant type: single nucleotide variant.
Coding change: c.1807T>G on transcript NM_002473.6 (MANE Select); coding-DNA position 1807, T replaced by G.
Protein change: p.Ser603Ala; replaces serine 603 with alanine.
Molecular consequence: missense variant.
Genome position (GRCh38, 1-based): chr22:36,309,318, A>C on the plus strand (T>G on the coding strand, the complement: MYH9 is on the minus strand). VCF-style: chr22-36309318-A-C. GRCh37 (hg19) VCF-style: chr22-36705363-A-C.
Other names: short protein forms S603A.
Identifiers: ClinVar variation 2714022 (VCV002714022.3), dbSNP rs2517981038, ClinGen allele CA411398806.

ClinVar aggregate classification (germline): Uncertain significance (1 of 4 stars; one submission).

Submission:

Labcorp Genetics (formerly Invitae), Labcorp
Classification: Uncertain significance. Last evaluated: 2024-01-29. Review status: criteria provided, single submitter. Criteria: Invitae Variant Classification Sherloc (09022015). Collection method: clinical testing. Allele origin: germline.
Comment: This sequence change replaces serine, which is neutral and polar, with alanine, which is neutral and non-polar, at codon 603 of the MYH9 protein (p.Ser603Ala). This variant is not present in population databases (gnomAD no frequency). This variant has not been reported in the literature in individuals affected with MYH9-related conditions. Advanced modeling of protein sequence and biophysical properties (such as structural, functional, and spatial information, amino acid conservation, physicochemical variation, residue mobility, and thermodynamic stability) performed at Invitae indicates that this missense variant is not expected to disrupt MYH9 protein function with a negative predictive value of 95%. In summary, the available evidence is currently insufficient to determine the role of this variant in disease. Therefore, it has been classified as a Variant of Uncertain Significance.